The following is an entry in ClinVar:

NM_002471.4(MYH6):c.2028C>G (p.Ile676Met)

Gene: MYH6 (myosin heavy chain 6; minus strand). Cytogenetic location: 14q11.2.
Variant type: single nucleotide variant.
Coding change: c.2028C>G on transcript NM_002471.4 (MANE Select); coding-DNA position 2028, C replaced by G.
Protein change: p.Ile676Met; replaces isoleucine 676 with methionine.
Molecular consequence: missense variant.
Genome position (GRCh38, 1-based): chr14:23,397,192, G>C on the plus strand (C>G on the coding strand, the complement: MYH6 is on the minus strand). VCF-style: chr14-23397192-G-C. GRCh37 (hg19) VCF-style: chr14-23866401-G-C.
Other names: short protein forms I676M.
Identifiers: ClinVar variation 2452917 (VCV002452917.2), dbSNP rs1566511842, ClinGen allele CA389019265.

ClinVar aggregate classification (germline): Uncertain significance (1 of 4 stars; one submission).

Conditions:
Cardiovascular phenotype. Identifiers: MedGen CN230736.

Submission:

Ambry Genetics
Classification: Uncertain significance for Cardiovascular phenotype. Last evaluated: 2022-12-19. Review status: criteria provided, single submitter. Criteria: Ambry Variant Classification Scheme 2023. Collection method: clinical testing. Allele origin: germline.
Comment: The p.I676M variant (also known as c.2028C>G), located in coding exon 15 of the MYH6 gene, results from a C to G substitution at nucleotide position 2028. The isoleucine at codon 676 is replaced by methionine, an amino acid with highly similar properties. This amino acid position is conserved. In addition, the in silico prediction for this alteration is inconclusive. Since supporting evidence is limited at this time, the clinical significance of this alteration remains unclear.